The following is an entry in ClinVar:

NM_014946.4(SPAST):c.1813dup (p.Ile605fs)

Gene: SPAST (spastin; plus strand). Cytogenetic location: 2p22.3.
Variant type: Duplication.
Coding change: c.1813dup on transcript NM_014946.4 (MANE Select); coding-DNA position 1813, one base duplicated (A; older notation c.1813dupA).
Protein change: p.Ile605fs; shifts the reading frame from isoleucine 605.
Molecular consequence: frameshift variant. On other transcripts: 3 prime UTR variant (1).
Genome position (GRCh38, 1-based): chr2:32,154,458, A duplicated. VCF-style (leftmost placement, unchanged base first): chr2-32154457-C-CA. GRCh37 (hg19) VCF-style: chr2-32379526-C-CA.
Other names: c.1810dup, p.Ile604fs (NM_001363823.2); c.1714dup, p.Ile572fs (NM_001363875.2); c.*86dup (NM_001377959.1); c.1717dup, p.Ile573fs (NM_199436.2); c.1813dupA (NM_014946.4); short protein forms I572fs, I573fs, I604fs, I605fs.
Identifiers: ClinVar variation 4076124 (VCV004076124.1).

ClinVar aggregate classification (germline): Likely pathogenic (1 of 4 stars; one submission).

Conditions:
Hereditary spastic paraplegia 4. Also called: Spastic paraplegia 4, autosomal dominant; Familial spastic paraplegia autosomal dominant 2; Spastic Paraplegia 4. Identifiers: Orphanet 100985, MedGen C1866855, MONDO:0008438, OMIM 182601.

Submission:

Neurology Department, Peking University First Hospital
Classification: Likely pathogenic for Hereditary spastic paraplegia 4. Last evaluated: 2025-07-01. Review status: criteria provided, single submitter. Criteria: ACMG Guidelines, 2015. Collection method: clinical testing. Allele origin: germline. Inheritance: Autosomal dominant inheritance. Affected: yes. Observed: 3 variant alleles.
Comment: PM2+PM4+PP1+PP3